The following is an entry in ClinVar:

ClinVar aggregate classification (germline): Likely benign (1 of 4 stars; one submission).

Allele frequency attached by ClinVar (database versions not stated): 1000 Genomes Project 30x 0.00016; gnomAD exomes 0.00017; 1000 Genomes Project 0.00020; gnomAD 0.00022; ExAC 0.00024; ESP Exome Variant Server 0.00046.
gnomAD v4.1: 280 of 1,613,920 alleles (0.017%); highest among the groups gnomAD compares: Middle Eastern, 0.082%; 1 homozygote.

Submission:

CeGaT Center for Human Genetics Tuebingen
Classification: Likely benign. Last evaluated: 2022-07-01. Review status: criteria provided, single submitter. Criteria: CeGaT Center For Human Genetics Tuebingen Variant Classification Criteria Version 2. Collection method: clinical testing. Allele origin: germline. Affected: yes. Observed: 1 variant allele.
Comment: ITPKB: BP4

NM_002221.4(ITPKB):c.880G>T (p.Gly294Trp)

Gene: ITPKB (inositol-trisphosphate 3-kinase B; minus strand). Cytogenetic location: 1q42.12.
Variant type: single nucleotide variant.
Coding change: c.880G>T on transcript NM_002221.4 (MANE Select); coding-DNA position 880, G replaced by T.
Protein change: p.Gly294Trp; replaces glycine 294 with tryptophan.
Molecular consequence: missense variant.
Genome position (GRCh38, 1-based): chr1:226,736,579, C>A on the plus strand (G>T on the coding strand, the complement: ITPKB is on the minus strand). VCF-style: chr1-226736579-C-A. GRCh37 (hg19) VCF-style: chr1-226924280-C-A.
Other names: c.880G>T, p.Gly294Trp (NM_001388404.1); short protein forms G294W.
Identifiers: ClinVar variation 2639971 (VCV002639971.24), dbSNP rs140811669, ClinGen allele CA1424070.